The following is an entry in ClinVar:

NM_182641.4(BPTF):c.6133A>C (p.Thr2045Pro)

Gene: BPTF (bromodomain PHD finger transcription factor; plus strand). Cytogenetic location: 17q24.2.
Variant type: single nucleotide variant.
Coding change: c.6133A>C on transcript NM_182641.4 (MANE Select); coding-DNA position 6133, A replaced by C.
Protein change: p.Thr2045Pro; replaces threonine 2045 with proline.
Molecular consequence: missense variant.
Genome position (GRCh38, 1-based): chr17:67,929,470, A>C. VCF-style: chr17-67929470-A-C. GRCh37 (hg19) VCF-style: chr17-65925586-A-C.
Other names: c.6511A>C, p.Thr2171Pro (NM_004459.7); short protein forms T2045P, T2171P.
Identifiers: ClinVar variation 2474006 (VCV002474006.5), dbSNP rs375972695, ClinGen allele CA8726108.

ClinVar aggregate classification (germline): Uncertain significance. Review status: criteria provided, single submitter (1 of 4 stars). 2 submissions from 2 submitters: Uncertain significance (1). 1 of the submissions does not count toward it. Last evaluated 2025-02-08.

Conditions:
Inborn genetic diseases. Identifiers: MedGen C0950123, MeSH D030342.
BPTF-related disorder. Also called: BPTF-related condition.

Allele frequency attached by ClinVar (database versions not stated): ExAC 0.00002; TOPMed 0.00003; gnomAD 0.00005; ESP Exome Variant Server 0.00008; gnomAD exomes 0.00009.
gnomAD v4.1: 142 of 1,614,004 alleles (0.0088%); highest among the groups gnomAD compares: Non-Finnish European, 0.012%; no homozygotes.

Submissions (2):

Ambry Genetics
Classification: Uncertain significance for Inborn genetic diseases. Last evaluated: 2025-02-08. Review status: criteria provided, single submitter. Criteria: Ambry Variant Classification Scheme 2023. Collection method: clinical testing. Allele origin: germline.

PreventionGenetics, part of Exact Sciences
Classification: Likely benign for BPTF-related condition. Last evaluated: 2023-12-08. Review status: no assertion criteria provided. Collection method: clinical testing. Allele origin: germline. Not counted in ClinVar's aggregate classification.
Comment: This variant is classified as likely benign based on ACMG/AMP sequence variant interpretation guidelines (Richards et al. 2015 PMID: 25741868, with internal and published modifications).